The following is an entry in ClinVar:

NM_006904.7(PRKDC):c.8194T>A (p.Phe2732Ile)

Gene: PRKDC (protein kinase, DNA-activated, catalytic subunit; minus strand). Cytogenetic location: 8q11.21.
Variant type: single nucleotide variant.
Coding change: c.8194T>A on transcript NM_006904.7 (MANE Select); coding-DNA position 8194, T replaced by A.
Protein change: p.Phe2732Ile; replaces phenylalanine 2732 with isoleucine.
Molecular consequence: missense variant.
Genome position (GRCh38, 1-based): chr8:47,831,885, A>T on the plus strand (T>A on the coding strand, the complement: PRKDC is on the minus strand). VCF-style: chr8-47831885-A-T. GRCh37 (hg19) VCF-style: chr8-48744446-A-T.
Other names: c.8194T>A, p.Phe2732Ile (NM_001081640.2); short protein forms F2732I.
Identifiers: ClinVar variation 2797217 (VCV002797217.3), dbSNP rs2551866812, ClinGen allele CA371147766.

ClinVar aggregate classification (germline): Uncertain significance (1 of 4 stars; one submission).

Conditions:
Severe combined immunodeficiency due to DNA-PKcs deficiency. Also called: IMMUNODEFICIENCY 26 WITH NEUROLOGIC ABNORMALITIES; Immunodeficiency 26 with or without neurologic abnormalities. Identifiers: Orphanet 317425, MedGen C4014833, MONDO:0014423, OMIM 615966.

Submission:

Labcorp Genetics (formerly Invitae), Labcorp
Classification: Uncertain significance for Severe combined immunodeficiency due to DNA-PKcs deficiency. Last evaluated: 2023-08-17. Review status: criteria provided, single submitter. Criteria: Invitae Variant Classification Sherloc (09022015). Collection method: clinical testing. Allele origin: germline.
Comment: Advanced modeling of protein sequence and biophysical properties (such as structural, functional, and spatial information, amino acid conservation, physicochemical variation, residue mobility, and thermodynamic stability) performed at Invitae indicates that this missense variant is not expected to disrupt PRKDC protein function. In summary, the available evidence is currently insufficient to determine the role of this variant in disease. Therefore, it has been classified as a Variant of Uncertain Significance. This variant has not been reported in the literature in individuals affected with PRKDC-related conditions. This variant is not present in population databases (gnomAD no frequency). This sequence change replaces phenylalanine, which is neutral and non-polar, with isoleucine, which is neutral and non-polar, at codon 2732 of the PRKDC protein (p.Phe2732Ile).